The following is an entry in ClinVar:

ClinVar aggregate classification (germline): Uncertain significance. Review status: criteria provided, multiple submitters, no conflicts (2 of 4 stars). 2 submissions from 2 submitters: Uncertain significance (2). Last evaluated 2024-06-19.

Conditions:
Hereditary diffuse gastric adenocarcinoma (HDGC). Also called: DIFFUSE GASTRIC AND LOBULAR BREAST CANCER SYNDROME. Identifiers: Orphanet 26106, MedGen C1708349, MONDO:0007648, OMIM 137215.
Hereditary cancer-predisposing syndrome. Also called: Hereditary neoplastic syndrome; Neoplastic Syndromes, Hereditary; Hereditary Cancer Syndrome; Tumor predisposition. Identifiers: Orphanet 140162, MedGen C0027672, MeSH D009386, MONDO:0015356.

Submissions (2):

Ambry Genetics
Classification: Uncertain significance for Hereditary cancer-predisposing syndrome. Last evaluated: 2024-06-19. Review status: criteria provided, single submitter. Criteria: Ambry Variant Classification Scheme 2023. Collection method: clinical testing. Allele origin: germline.
Comment: The p.K871T variant (also known as c.2612A>C), located in coding exon 16 of the CDH1 gene, results from an A to C substitution at nucleotide position 2612. The lysine at codon 871 is replaced by threonine, an amino acid with similar properties. This amino acid position is conserved. In addition, this alteration is predicted to be deleterious by in silico analysis. Based on the available evidence, the clinical significance of this variant remains unclear.

Labcorp Genetics (formerly Invitae), Labcorp
Classification: Uncertain significance for Hereditary diffuse gastric adenocarcinoma. Last evaluated: 2024-03-07. Review status: criteria provided, single submitter. Criteria: Invitae Variant Classification Sherloc (09022015). Collection method: clinical testing. Allele origin: germline.
Comment: This sequence change replaces lysine, which is basic and polar, with threonine, which is neutral and polar, at codon 871 of the CDH1 protein (p.Lys871Thr). This variant is not present in population databases (gnomAD no frequency). This variant has not been reported in the literature in individuals affected with CDH1-related conditions. ClinVar contains an entry for this variant (Variation ID: 1389246). An algorithm developed to predict the effect of missense changes on protein structure and function (PolyPhen-2) suggests that this variant is likely to be disruptive. In summary, the available evidence is currently insufficient to determine the role of this variant in disease. Therefore, it has been classified as a Variant of Uncertain Significance.

NM_004360.5(CDH1):c.2612A>C (p.Lys871Thr)

Gene: CDH1 (cadherin 1; plus strand). Cytogenetic location: 16q22.1.
Variant type: single nucleotide variant.
Coding change: c.2612A>C on transcript NM_004360.5 (MANE Select); coding-DNA position 2612, A replaced by C.
Protein change: p.Lys871Thr; replaces lysine 871 with threonine.
Molecular consequence: missense variant.
Genome position (GRCh38, 1-based): chr16:68,833,462, A>C. VCF-style: chr16-68833462-A-C. GRCh37 (hg19) VCF-style: chr16-68867365-A-C.
Other names: c.2612A>C (NM_004360.3); c.2429A>C, p.Lys810Thr (NM_001317184.2); c.1064A>C, p.Lys355Thr (NM_001317185.2); c.647A>C, p.Lys216Thr (NM_001317186.2); short protein forms K871T, K216T, K355T, K810T.
Identifiers: ClinVar variation 1389246 (VCV001389246.7), dbSNP rs2152144190, ClinGen allele CA396472731.